The following is an entry in ClinVar:

NM_144666.3(DNHD1):c.4927C>T (p.Leu1643=)

Gene: DNHD1 (dynein heavy chain domain 1; plus strand). Cytogenetic location: 11p15.4.
Variant type: single nucleotide variant.
Coding change: c.4927C>T on transcript NM_144666.3 (MANE Select); coding-DNA position 4927, C replaced by T.
Protein change: p.Leu1643=; no amino-acid change (leucine 1643 retained).
Molecular consequence: synonymous variant.
Genome position (GRCh38, 1-based): chr11:6,545,866, C>T. VCF-style: chr11-6545866-C-T. GRCh37 (hg19) VCF-style: chr11-6567096-C-T.
Identifiers: ClinVar variation 3056402 (VCV003056402.2), dbSNP rs61735751, ClinGen allele CA5856025.

ClinVar aggregate classification (germline): Benign (0 of 4 stars; one submission).

Conditions:
DNHD1-related disorder. Also called: DNHD1-related condition.

Allele frequency attached by ClinVar (database versions not stated): 1000 Genomes Project 30x 0.01593; 1000 Genomes Project 0.01617; TOPMed 0.03399; ExAC 0.03497; gnomAD 0.03810; ESP Exome Variant Server 0.04402; gnomAD exomes 0.05519.
gnomAD v4.1: 82,290 of 1,551,792 alleles (5.3%); highest among the groups gnomAD compares: Non-Finnish European, 6.3%; 2,566 homozygotes.

Submission:

PreventionGenetics, part of Exact Sciences
Classification: Benign for DNHD1-related condition. Last evaluated: 2023-02-07. Review status: no assertion criteria provided. Collection method: clinical testing. Allele origin: germline.
Comment: This variant is classified as benign based on ACMG/AMP sequence variant interpretation guidelines (Richards et al. 2015 PMID: 25741868, with internal and published modifications).